The following is an entry in ClinVar:

ClinVar aggregate classification (germline): Uncertain significance (1 of 4 stars; one submission).

Conditions:
Cardiovascular phenotype. Identifiers: MedGen CN230736.

Submission:

Ambry Genetics
Classification: Uncertain significance for Cardiovascular phenotype. Last evaluated: 2022-05-25. Review status: criteria provided, single submitter. Criteria: Ambry Variant Classification Scheme 2023. Collection method: clinical testing. Allele origin: germline.
Comment: The c.3791-2A>T intronic variant results from an A to T substitution two nucleotides upstream from coding exon 22 in the FLNC gene. Alterations that disrupt the canonical splice site are expected to result in aberrant splicing. In silico splice site analysis predicts that this alteration will weaken the native splice acceptor site and may result in the creation or strengthening of a novel splice acceptor site. The resulting transcript is predicted to be in-frame and is not expected to trigger nonsense-mediated mRNAdecay; however, direct evidence is unavailable. The exact functional effect of the altered amino acid sequence is unknown. This nucleotide position is highly conserved in available vertebrate species. Since supporting evidence is limited at this time, the clinical significance of this alteration remains unclear.

NM_001458.5(FLNC):c.3791-2A>T

Gene: FLNC (filamin C; plus strand). Cytogenetic location: 7q32.1.
Variant type: single nucleotide variant.
Coding change: c.3791-2A>T on transcript NM_001458.5 (MANE Select); the canonical splice acceptor site of the intron before coding-DNA position 3791, A replaced by T.
Molecular consequence: splice acceptor variant.
Genome position (GRCh38, 1-based): chr7:128,845,988, A>T. VCF-style: chr7-128845988-A-T. GRCh37 (hg19) VCF-style: chr7-128486042-A-T.
Other names: c.3791-2A>T (NM_001127487.2).
Identifiers: ClinVar variation 1734954 (VCV001734954.2), dbSNP rs113461688, ClinGen allele CA166179787.
Genomic context (GRCh38, chr7:128,845,988, plus strand): 5'-GAGGGAGCATCTGTGTGAAGGCTGCCCCCACCCCTGCTGAACACGCCACCCCTGGGCTCC[A>T]GGTGTCCTGCGGGAGGTGACCACTGAGTTCACTGTGGATGCAAGATCCCTAACAGCCACA-3'